The following is an entry in ClinVar:

NM_000548.5(TSC2):c.506del (p.Asp169fs)

Gene: TSC2 (TSC complex subunit 2; plus strand). Cytogenetic location: 16p13.3.
Variant type: Deletion.
Coding change: c.506del on transcript NM_000548.5 (MANE Select); coding-DNA position 506, one base deleted (A; older notation c.506delA).
Protein change: p.Asp169fs; shifts the reading frame from aspartic acid 169.
Molecular consequence: frameshift variant. On other transcripts: intron variant (1).
Genome position (GRCh38, 1-based): chr16:2,055,426, A deleted. VCF-style (leftmost placement, unchanged base first): chr16-2055425-GA-G. GRCh37 (hg19) VCF-style: chr16-2105426-GA-G.
Other names: c.506del, p.Asp169fs (NM_001077183.3, NM_001114382.3, NM_001363528.2 and 3 more transcripts); c.395del, p.Asp132fs (NM_001318827.2); c.359del, p.Asp120fs (NM_001318829.2); c.539del, p.Asp180fs (NM_001318832.2); c.-1-770del (NM_001318831.2); short protein forms D120fs, D169fs, D132fs, D180fs.
Identifiers: ClinVar variation 817129 (VCV000817129.1), dbSNP rs1596270787, ClinGen allele CA915946219.

ClinVar aggregate classification (germline): Pathogenic (1 of 4 stars; one submission).

Submission:

GeneDx
Classification: Pathogenic. Last evaluated: 2018-07-03. Review status: criteria provided, single submitter. Criteria: GeneDx Variant Classification (06012015). Collection method: clinical testing. Allele origin: germline. Affected: yes.
Comment: The c.506delA pathogenic variant in the TSC2 gene causes a frameshift starting with codon Aspartic acid 169, changes this amino acid to a Valine residue and creates a premature Stop codon at position 13 of the new reading frame, denoted p.Asp169ValfsX13. This pathogenic variant is predicted to cause loss of normal protein function either through protein truncation or nonsense-mediated mRNA decay. The c.506delA variant is not observed in large population cohorts (Lek et al., 2016).